The following is an entry in ClinVar:

ClinVar aggregate classification (germline): Uncertain significance. Review status: criteria provided, multiple submitters, no conflicts (2 of 4 stars). 3 submissions from 3 submitters: Uncertain significance (3). Last evaluated 2025-04-08.

Conditions:
GNAS-related disorder. Identifiers: MedGen CN380105.
Pseudohypoparathyroidism type I A (PHP1A). Also called: Pseudohypoparathyroidism Type IA; ALBRIGHT HEREDITARY OSTEODYSTROPHY WITH MULTIPLE HORMONE RESISTANCE; Pseudohypoparathyroidism type 1A; Pseudohypoparathyroidism Ia (PHP-Ia); PHP IA. Identifiers: Orphanet 79443, MedGen C3494506, MONDO:0007078, OMIM 103580.
ACTH-independent macronodular adrenal hyperplasia 1 (AIMAH1). Also called: ACTH-INDEPENDENT MACRONODULAR ADRENOCORTICAL HYPERPLASIA; ACTH-independent macronodular adrenal hyperplasia, somatic; ADRENOCORTICOTROPIC HORMONE-INDEPENDENT MACRONODULAR ADRENAL HYPERPLASIA; CORTICOTROPIN-INDEPENDENT MACRONODULAR ADRENAL HYPERPLASIA; CUSHING SYNDROME, ADRENAL, DUE TO AIMAH. Identifiers: MedGen C1857451, MONDO:0020735, OMIM 219080.
Pseudohypoparathyroidism type 1B (PHP1B). Also called: Pseudohypoparathyroidism Ib (PHP-Ib); PHP IB; Pseudohypoparathyroidism Type IB. Identifiers: Orphanet 94089, MedGen C1864100, MONDO:0011301, OMIM 603233.
Pseudopseudohypoparathyroidism (PPHP). Also called: ALBRIGHT HEREDITARY OSTEODYSTROPHY WITHOUT MULTIPLE HORMONE RESISTANCE; Pseudopseudohypoparathyroidism (PPHP). Identifiers: Orphanet 79445, MedGen C0033835, MONDO:0012912, OMIM 612463.
Pituitary adenoma 3, multiple types. Also called: PITUITARY ADENOMA 3, ACTH-SECRETING, SOMATIC; PITUITARY ADENOMA 3, GROWTH HORMONE-SECRETING, SOMATIC. Identifiers: MedGen C4540135, MONDO:0054665, OMIM 617686.
McCune-Albright syndrome (MAS). Also called: ALBRIGHT SYNDROME; Albright's disease; Albright's Syndrome; McCune-Albright syndrome, somatic, mosaic; Fibrous Dysplasia / McCune-Albright Syndrome. Identifiers: Orphanet 562, MedGen C0242292, MONDO:0018919, OMIM 174800.
Progressive osseous heteroplasia (POH). Also called: Osseus Heteroplasia, Progressive; Osteoma cutis; ECTOPIC OSSIFICATION, FAMILIAL; Progressive Osseus Heteroplasia (POH). Identifiers: Orphanet 2762, MedGen C0334041, MONDO:0008153, OMIM 166350, HP:0025027.
Pseudohypoparathyroidism type 1C (PHP1C). Also called: PSEUDOHYPOPARATHYROIDISM, TYPE IC; Pseudohypoparathyroidism Ic (PHP-Ic); PHP IC. Identifiers: Orphanet 79444, MedGen C2932716, MONDO:0012911, OMIM 612462.

Allele frequency attached by ClinVar (database versions not stated): TOPMed below 0.00001; ExAC 0.00001; gnomAD exomes 0.00001.

Submissions (3):

Labcorp Genetics (formerly Invitae), Labcorp
Classification: Uncertain significance. Last evaluated: 2025-04-08. Review status: criteria provided, single submitter. Criteria: Invitae Variant Classification Sherloc (09022015). Collection method: clinical testing. Allele origin: germline.
Comment: This sequence change replaces glutamic acid, which is acidic and polar, with lysine, which is basic and polar, at codon 123 of the GNAS protein (p.Glu123Lys). This variant is present in population databases (rs769546153, gnomAD 0.002%). This variant has not been reported in the literature in individuals affected with GNAS-related conditions. ClinVar contains an entry for this variant (Variation ID: 1431017). Invitae Evidence Modeling of protein sequence and biophysical properties (such as structural, functional, and spatial information, amino acid conservation, physicochemical variation, residue mobility, and thermodynamic stability) indicates that this missense variant is expected to disrupt GNAS protein function with a positive predictive value of 80%. In summary, the available evidence is currently insufficient to determine the role of this variant in disease. Therefore, it has been classified as a Variant of Uncertain Significance.

PreventionGenetics, part of Exact Sciences
Classification: Uncertain significance for GNAS-related condition. Last evaluated: 2024-10-22. Review status: criteria provided, single submitter. Criteria: ACMG Guidelines, 2015. Collection method: clinical testing. Allele origin: germline.
Comment: The GNAS c.367G>A variant is predicted to result in the amino acid substitution p.Glu123Lys. To our knowledge, this variant has not been reported in the literature. This variant is reported in 0.0018% of alleles in individuals of European (Non-Finnish) descent in gnomAD. At this time, the clinical significance of this variant is uncertain due to the absence of conclusive functional and genetic evidence.

Fulgent Genetics
Classification: Uncertain significance for Pseudohypoparathyroidism type I A; Progressive osseous heteroplasia; McCune-Albright syndrome; ACTH-independent macronodular adrenal hyperplasia 1; Pseudohypoparathyroidism type 1B; Pseudohypoparathyroidism type 1C; Pseudopseudohypoparathyroidism; Pituitary adenoma 3, multiple types. Last evaluated: 2021-12-27. Review status: criteria provided, single submitter. Criteria: ACMG Guidelines, 2015. Collection method: clinical testing. Allele origin: unknown.

NM_000516.7(GNAS):c.367G>A (p.Glu123Lys)

Gene: GNAS (GNAS complex locus; plus strand). Cytogenetic location: 20q13.32.
Variant type: single nucleotide variant.
Coding change: c.367G>A on transcript NM_000516.7 (MANE Select); coding-DNA position 367, G replaced by A.
Protein change: p.Glu123Lys; replaces glutamic acid 123 with lysine.
Molecular consequence: missense variant. On other transcripts: 3 prime UTR variant (2).
Genome position (GRCh38, 1-based): chr20:58,903,726, G>A. VCF-style: chr20-58903726-G-A. GRCh37 (hg19) VCF-style: chr20-57478781-G-A.
Other names: c.370G>A, p.Glu124Lys (NM_001077488.5); c.322G>A, p.Glu108Lys (NM_001077489.4); c.*228G>A (NM_001077490.3); c.190G>A, p.Glu64Lys (NM_001309840.2, NM_001309861.2); c.*273G>A (NM_016592.5); c.2296G>A, p.Glu766Lys (NM_080425.4); c.325G>A, p.Glu109Lys (NM_080426.4); c.367G>A (NM_000516.5); short protein forms E109K, E124K, E108K, E123K, E64K, E766K.
Identifiers: ClinVar variation 1431017 (VCV001431017.8), dbSNP rs769546153, ClinGen allele CA9927072.